The following is an entry in ClinVar:

ClinVar aggregate classification (germline): Uncertain significance (1 of 4 stars; one submission).

Conditions:
Cardiovascular phenotype. Identifiers: MedGen CN230736.

Submission:

Ambry Genetics
Classification: Uncertain significance for Cardiovascular phenotype. Last evaluated: 2025-07-09. Review status: criteria provided, single submitter. Criteria: Ambry Variant Classification Scheme 2023. Collection method: clinical testing. Allele origin: germline.
Comment: The p.S350A variant (also known as c.1048T>G), located in coding exon 5 of the GATA4 gene, results from a T to G substitution at nucleotide position 1048. The serine at codon 350 is replaced by alanine, an amino acid with similar properties. This amino acid position is conserved. In addition, the in silico prediction for this alteration is inconclusive. Based on the available evidence, the clinical significance of this variant remains unclear.

NM_001308093.3(GATA4):c.1051T>G (p.Ser351Ala)

Gene: GATA4 (GATA binding protein 4). Cytogenetic location: 8p23.1.
Variant type: single nucleotide variant.
Coding change: c.1051T>G on transcript NM_001308093.3 (MANE Select); coding-DNA position 1051, T replaced by G.
Protein change: p.Ser351Ala; replaces serine 351 with alanine.
Molecular consequence: missense variant.
Genome position (GRCh38, 1-based): chr8:11,756,985, T>G. VCF-style: chr8-11756985-T-G. GRCh37 (hg19) VCF-style: chr8-11614494-T-G.
Other names: c.430T>G, p.Ser144Ala (NM_001308094.2, NM_001374273.1); c.304T>G, p.Ser102Ala (NM_001374274.1); c.1048T>G, p.Ser350Ala (NM_002052.5); short protein forms S102A, S144A, S350A, S351A.
Identifiers: ClinVar variation 4028540 (VCV004028540.2).
Genomic context (GRCh38, chr8:11,756,985, plus strand): 5'-TTCATTCCAGCTCCTTCAGGCAGTGAGAGCCTTCCTCCCGCCAGCGGTGCTTCCAGCAAC[T>G]CCAGCAACGCCACCACCAGCAGCAGCGAGGAGATGCGTCCCATCAAGACGGAGCCTGGCC-3'
Protein context (NP_001295022.1, residues 341-361): LPPASGASSN[Ser351Ala]SNATTSSSEE